The following is an entry in ClinVar:

ClinVar aggregate classification (germline): Uncertain significance (1 of 4 stars; one submission).

Allele frequency attached by ClinVar (database versions not stated): TOPMed 0.00001.
gnomAD v4.1: 5 of 1,613,456 alleles (0.00031%); highest among the groups gnomAD compares: Non-Finnish European, 0.00042%; no homozygotes.

Submission:

Ambry Genetics
Classification: Uncertain significance. Last evaluated: 2021-08-07. Review status: criteria provided, single submitter. Criteria: Ambry Variant Classification Scheme 2023. Collection method: clinical testing. Allele origin: germline.
Comment: The p.R12G variant (also known as c.34C>G), located in coding exon 1 of the STAP1 gene, results from a C to G substitution at nucleotide position 34. The arginine at codon 12 is replaced by glycine, an amino acid with dissimilar properties. This amino acid position is conserved. In addition, this alteration is predicted to be tolerated by in silico analysis. Since supporting evidence is limited at this time, the clinical significance of this alteration remains unclear.

NM_012108.4(STAP1):c.34C>G (p.Arg12Gly)

Gene: STAP1 (signal transducing adaptor family member 1; plus strand). Cytogenetic location: 4q13.2.
Variant type: single nucleotide variant.
Coding change: c.34C>G on transcript NM_012108.4 (MANE Select); coding-DNA position 34, C replaced by G.
Protein change: p.Arg12Gly; replaces arginine 12 with glycine.
Molecular consequence: missense variant.
Genome position (GRCh38, 1-based): chr4:67,558,843, C>G. VCF-style: chr4-67558843-C-G. GRCh37 (hg19) VCF-style: chr4-68424561-C-G.
Other names: c.34C>G, p.Arg12Gly (NM_001317769.2); short protein forms R12G.
Identifiers: ClinVar variation 1732043 (VCV001732043.2), dbSNP rs1188430911, ClinGen allele CA357044342.